The following is an entry in ClinVar:

ClinVar aggregate classification (germline): Uncertain significance. Review status: criteria provided, multiple submitters, no conflicts (2 of 4 stars). 4 submissions from 4 submitters: Uncertain significance (4). Last evaluated 2024-08-12.

Conditions:
Arrhythmogenic right ventricular dysplasia 8 (ARVD8). Also called: Arrhythmogenic Right Ventricular Dysplasia/Cardiomyopathy 8; ARRHYTHMOGENIC RIGHT VENTRICULAR DYSPLASIA, FAMILIAL, 8; ARRHYTHMOGENIC RIGHT VENTRICULAR CARDIOMYOPATHY 8. Identifiers: MedGen C1843896, MONDO:0011831, OMIM 607450.
Arrhythmogenic cardiomyopathy with wooly hair and keratoderma. Also called: PALMOPLANTAR KERATODERMA WITH LEFT VENTRICULAR CARDIOMYOPATHY AND WOOLLY HAIR; Carvajal syndrome; Dilated cardiomyopathy with woolly hair and keratoderma; Arrhythmogenic cardiomyopathy with woolly hair and keratoderma. Identifiers: Orphanet 65282, MedGen C1854063, MONDO:0011581, OMIM 605676.
Arrhythmogenic right ventricular cardiomyopathy (ARVD). Also called: Cardiomyopathy, ARVC; Arrhythmogenic right ventricular dysplasia; Arrhythmogenic cardiomyopathy; Arrhythmogenic Right Ventricular Cardiomyopathy (ARVC). Identifiers: Orphanet 247, MedGen C0349788, MeSH D019571, MONDO:0016587. Disease mechanism: loss of function. Inheritance: Various modes of inheritance.
Cardiomyopathy (CMYO). Also called: Cardiomyopathies. Identifiers: Orphanet 167848, MedGen C0878544, MONDO:0004994, HP:0001638. Inheritance: Various modes of inheritance.

Submissions (4):

Labcorp Genetics (formerly Invitae), Labcorp
Classification: Uncertain significance for Arrhythmogenic cardiomyopathy with wooly hair and keratoderma; Arrhythmogenic right ventricular dysplasia 8. Last evaluated: 2024-08-12. Review status: criteria provided, single submitter. Criteria: Invitae Variant Classification Sherloc (09022015). Collection method: clinical testing. Allele origin: germline.
Comment: This sequence change replaces leucine, which is neutral and non-polar, with proline, which is neutral and non-polar, at codon 1764 of the DSP protein (p.Leu1764Pro). This variant is present in population databases (rs767885673, gnomAD 0.002%). This variant has not been reported in the literature in individuals affected with DSP-related conditions. ClinVar contains an entry for this variant (Variation ID: 1693190). An algorithm developed to predict the effect of missense changes on protein structure and function (PolyPhen-2) suggests that this variant is likely to be disruptive. In summary, the available evidence is currently insufficient to determine the role of this variant in disease. Therefore, it has been classified as a Variant of Uncertain Significance.

All of Us Research Program, National Institutes of Health
Classification: Uncertain significance for Arrhythmogenic cardiomyopathy with wooly hair and keratoderma. Last evaluated: 2023-07-10. Review status: criteria provided, single submitter. Criteria: ACMG Guidelines, 2015. Collection method: clinical testing. Allele origin: germline. Inheritance: Autosomal dominant inheritance. Observed: 1 variant allele, 1 heterozygote.
Comment: This missense variant replaces leucine with proline at codon 1764 of the DSP protein. Computational prediction suggests that this variant may not impact protein structure and function (internally defined REVEL score threshold <= 0.5, PMID: 27666373). To our knowledge, functional studies have not been reported for this variant. This variant has been reported in an individual affected with long QT syndrome, who also carried a pathogenic variant in the KCNQ1 gene that could explain the observed phenotype (PMID: 29511324). This variant has been identified in 2/250562 chromosomes in the general population by the Genome Aggregation Database (gnomAD). The available evidence is insufficient to determine the role of this variant in disease conclusively. Therefore, this variant is classified as a Variant of Uncertain Significance.

This study involves interpretation of variants in research participants for the purpose of population health screening. Participant phenotype was not available at the time of variant classification. Additional details can be found in publication PMID: 35346344, PMCID: PMC8962531

Color Diagnostics, LLC DBA Color Health
Classification: Uncertain significance for Cardiomyopathy. Last evaluated: 2023-06-23. Review status: criteria provided, single submitter. Criteria: ACMG Guidelines, 2015. Collection method: clinical testing. Allele origin: germline.
Comment: This missense variant replaces leucine with proline at codon 1764 of the DSP protein. Computational prediction suggests that this variant may not impact protein structure and function. To our knowledge, functional studies have not been reported for this variant. This variant has been reported in an individual affected with long QT syndrome, who also carried a pathogenic variant in the KCNQ1 gene that could explain the observed phenotype (PMID: 29511324). This variant has been identified in 2/250562 chromosomes in the general population by the Genome Aggregation Database (gnomAD). The available evidence is insufficient to determine the role of this variant in disease conclusively. Therefore, this variant is classified as a Variant of Uncertain Significance.

Molecular Genetics Laboratory - Cardiogenetics, CHU de Nantes
Classification: Uncertain significance for Arrhythmogenic right ventricular cardiomyopathy. Last evaluated: 2022-06-01. Review status: criteria provided, single submitter. Criteria: ACMG Guidelines, 2015. Collection method: curation. Allele origin: germline. Affected: yes.

Literature cited by the submitters: PubMed 29511324 (cited by All of Us Research Program, National Institutes of Health and Color Diagnostics, LLC DBA Color Health).

NM_004415.4(DSP):c.5291T>C (p.Leu1764Pro)

Gene: DSP (desmoplakin; plus strand). Cytogenetic location: 6p24.3.
Variant type: single nucleotide variant.
Coding change: c.5291T>C on transcript NM_004415.4 (MANE Select); coding-DNA position 5291, T replaced by C.
Protein change: p.Leu1764Pro; replaces leucine 1764 with proline.
Molecular consequence: missense variant. On other transcripts: intron variant (2).
Genome position (GRCh38, 1-based): chr6:7,581,481, T>C. VCF-style: chr6-7581481-T-C. GRCh37 (hg19) VCF-style: chr6-7581714-T-C.
Other names: c.4051-1161T>C (NM_001319034.2); c.3583-1161T>C (NM_001008844.3); short protein forms L1764P.
Identifiers: ClinVar variation 1693190 (VCV001693190.5), dbSNP rs767885673, ClinGen allele CA044556.